The following is an entry in ClinVar:

NM_206933.4(USH2A):c.11074del (p.Ile3692fs)

Gene: USH2A (usherin; minus strand). Cytogenetic location: 1q41.
Variant type: Deletion.
Coding change: c.11074del on transcript NM_206933.4 (MANE Select); coding-DNA position 11074, one base deleted (A; older notation c.11074delA).
Protein change: p.Ile3692fs; shifts the reading frame from isoleucine 3692.
Molecular consequence: frameshift variant.
Genome position (GRCh38, 1-based): chr1:215,759,817, T deleted on the plus strand (A on the coding strand, the reverse complement: USH2A is on the minus strand). VCF-style (leftmost placement, unchanged base first): chr1-215759816-AT-A. GRCh37 (hg19) VCF-style: chr1-215933158-AT-A.
Other names: short protein forms I3692fs.
Identifiers: ClinVar variation 959721 (VCV000959721.7), dbSNP rs1660926805, ClinGen allele CA1139656554.

ClinVar aggregate classification (germline): Pathogenic (1 of 4 stars; one submission).

Submission:

Labcorp Genetics (formerly Invitae), Labcorp
Classification: Pathogenic. Last evaluated: 2019-07-24. Review status: criteria provided, single submitter. Criteria: Invitae Variant Classification Sherloc (09022015). Collection method: clinical testing. Allele origin: germline.
Comment: This sequence change creates a premature translational stop signal (p.Ile3692Serfs*26) in the USH2A gene. It is expected to result in an absent or disrupted protein product. This variant is not present in population databases (ExAC no frequency). This variant has not been reported in the literature in individuals with USH2A-related conditions. Loss-of-function variants in USH2A are known to be pathogenic (PMID: 10729113, 10909849, 20507924, 25649381). For these reasons, this variant has been classified as Pathogenic.

Literature cited by the submitters: PubMed 10729113; PubMed 10909849; PubMed 20507924; PubMed 25649381.